The following is an entry in ClinVar:

NM_018723.4(RBFOX1):c.829C>T (p.Arg277Cys)

Gene: RBFOX1 (RNA binding fox-1 homolog 1; plus strand). Cytogenetic location: 16p13.3.
Variant type: single nucleotide variant.
Coding change: c.829C>T on transcript NM_018723.4 (MANE Select); coding-DNA position 829, C replaced by T.
Protein change: p.Arg277Cys; replaces arginine 277 with cysteine.
Molecular consequence: missense variant.
Genome position (GRCh38, 1-based): chr16:7,653,886, C>T. VCF-style: chr16-7653886-C-T. GRCh37 (hg19) VCF-style: chr16-7703888-C-T.
Other names: c.748C>T, p.Arg250Cys (NM_001142333.2); c.829C>T, p.Arg277Cys (NM_001142334.2, NM_001364800.2); c.958C>T, p.Arg320Cys (NM_001308117.1); c.889C>T, p.Arg297Cys (NM_145891.3, NM_145892.3, NM_145893.3); short protein forms R277C, R297C, R250C, R320C.
Identifiers: ClinVar variation 582353 (VCV000582353.9), dbSNP rs1189994954, ClinGen allele CA394683631.

ClinVar aggregate classification (germline): Uncertain significance (1 of 4 stars; one submission).

Conditions:
Idiopathic generalized epilepsy. Also called: EIG; Generalised epilepsy. Identifiers: MedGen C0270850, MONDO:0005579, OMIM 600669.

Allele frequency attached by ClinVar (database versions not stated): gnomAD exomes below 0.00001.

Submission:

Labcorp Genetics (formerly Invitae), Labcorp
Classification: Uncertain significance for Idiopathic generalized epilepsy. Last evaluated: 2018-01-16. Review status: criteria provided, single submitter. Criteria: Invitae Variant Classification Sherloc (09022015). Collection method: clinical testing. Allele origin: germline.
Comment: In summary, the available evidence is currently insufficient to determine the role of this variant in disease. Therefore, it has been classified as a Variant of Uncertain Significance. Algorithms developed to predict the effect of missense changes on protein structure and function do not agree on the potential impact of this missense change (SIFT: "Deleterious"; PolyPhen-2: "Possibly Damaging"; Align-GVGD: "Class C0"). This variant has not been reported in the literature in individuals with RBFOX1-related disease. This variant is not present in population databases (ExAC no frequency). This sequence change replaces arginine with cysteine at codon 297 of the RBFOX1 protein (p.Arg297Cys). The arginine residue is moderately conserved and there is a large physicochemical difference between arginine and cysteine.